The following is an entry in ClinVar:

ClinVar aggregate classification (germline): Uncertain significance. Review status: criteria provided, multiple submitters, no conflicts (2 of 4 stars). 2 submissions from 2 submitters: Uncertain significance (2). Last evaluated 2025-10-14.

Conditions:
Autosomal recessive limb-girdle muscular dystrophy type 2J (LGMDR10). Also called: MUSCULAR DYSTROPHY, LIMB-GIRDLE, AUTOSOMAL RECESSIVE 10; Limb-girdle muscular dystrophy, type 2J. Identifiers: Orphanet 140922, MedGen C1837342, MONDO:0012127, OMIM 608807.
Dilated cardiomyopathy 1G (CMD1G). Identifiers: Orphanet 154, MedGen C1858763, MONDO:0011400, OMIM 604145.

Submissions (2):

Labcorp Genetics (formerly Invitae), Labcorp
Classification: Uncertain significance for Dilated cardiomyopathy 1G; Autosomal recessive limb-girdle muscular dystrophy type 2J. Last evaluated: 2025-10-14. Review status: criteria provided, single submitter. Criteria: Invitae Variant Classification Sherloc (09022015). Collection method: clinical testing. Allele origin: germline.
Comment: This sequence change replaces threonine, which is neutral and polar, with lysine, which is basic and polar, at codon 34993 of the TTN protein (p.Thr34993Lys). This variant is not present in population databases (gnomAD no frequency). This variant has not been reported in the literature in individuals affected with TTN-related conditions. ClinVar contains an entry for this variant (Variation ID: 624157). Experimental studies and prediction algorithms are not available or were not evaluated, and the functional significance of this variant is currently unknown. This variant is located in the M band of TTN (PMID: 25589632). Non-truncating variants in this region may be relevant for neuromuscular disorders, but have not been definitively shown to cause cardiomyopathy (PMID: 23975875). In summary, the available evidence is currently insufficient to determine the role of this variant in disease. Therefore, it has been classified as a Variant of Uncertain Significance.

CeGaT Center for Human Genetics Tuebingen
Classification: Uncertain significance. Last evaluated: 2018-08-01. Review status: criteria provided, single submitter. Criteria: CeGaT Center For Human Genetics Tuebingen Variant Classification Criteria Version 2. Collection method: clinical testing. Allele origin: germline. Affected: yes. Observed: 1 variant allele.

Literature cited by the submitters: PubMed 25589632 (cited by Labcorp Genetics (formerly Invitae), Labcorp); PubMed 23975875 (cited by Labcorp Genetics (formerly Invitae), Labcorp).

NM_001267550.2(TTN):c.104978C>A (p.Thr34993Lys)

Genes: TTN (titin; minus strand), TTN-AS1 (TTN antisense RNA 1; plus strand). Cytogenetic location: 2q31.2.
Variant type: single nucleotide variant.
Coding change: c.104978C>A on transcript NM_001267550.2 (MANE Select); coding-DNA position 104978, C replaced by A.
Protein change: p.Thr34993Lys; replaces threonine 34993 with lysine.
Molecular consequence: missense variant.
Genome position (GRCh38, 1-based): chr2:178,531,637, G>T on the plus strand (C>A on the coding strand, the complement: TTN is on the minus strand). VCF-style: chr2-178531637-G-T. GRCh37 (hg19) VCF-style: chr2-179396364-G-T.
Other names: c.100055C>A, p.Thr33352Lys (NM_001256850.1); c.77783C>A, p.Thr25928Lys (NM_003319.4); c.97274C>A, p.Thr32425Lys (NM_133378.4); c.78158C>A, p.Thr26053Lys (NM_133432.3); c.78359C>A, p.Thr26120Lys (NM_133437.4); short protein forms T34993K, T25928K, T26053K, T32425K, T33352K, T26120K.
Identifiers: ClinVar variation 624157 (VCV000624157.44), dbSNP rs368945564, ClinGen allele CA349409747.